The following is an entry in ClinVar:

NM_001437.3(ESR2):c.844A>G (p.Ile282Val)

Gene: ESR2 (estrogen receptor 2; minus strand). Cytogenetic location: 14q23.2.
Variant type: single nucleotide variant.
Coding change: c.844A>G on transcript NM_001437.3 (MANE Select); coding-DNA position 844, A replaced by G.
Protein change: p.Ile282Val; replaces isoleucine 282 with valine.
Molecular consequence: missense variant. On other transcripts: non-coding transcript variant (2).
Genome position (GRCh38, 1-based): chr14:64,260,557, T>C on the plus strand (A>G on the coding strand, the complement: ESR2 is on the minus strand). VCF-style: chr14-64260557-T-C. GRCh37 (hg19) VCF-style: chr14-64727275-T-C.
Other names: c.844A>G, p.Ile282Val (NM_001040275.1, NM_001214902.1, NM_001271876.1 and 3 more transcripts); short protein forms I282V.
Identifiers: ClinVar variation 1879281 (VCV001879281.29), dbSNP rs750720041, ClinGen allele CA7225434.

ClinVar aggregate classification (germline): Uncertain significance (1 of 4 stars; one submission).

Allele frequency attached by ClinVar (database versions not stated): ExAC 0.00001; gnomAD exomes 0.00001.
gnomAD v4.1: 3 of 1,586,986 alleles (0.00019%); highest among the groups gnomAD compares: Non-Finnish European, 0.00026%; no homozygotes.

Submission:

CeGaT Center for Human Genetics Tuebingen
Classification: Uncertain significance. Last evaluated: 2022-10-01. Review status: criteria provided, single submitter. Criteria: CeGaT Center For Human Genetics Tuebingen Variant Classification Criteria Version 2. Collection method: clinical testing. Allele origin: germline. Affected: yes. Observed: 1 variant allele.
Comment: ESR2: PM2, BP4